The following is an entry in ClinVar:

ClinVar aggregate classification (germline): Uncertain significance (1 of 4 stars; one submission).

Conditions:
Pitt-Hopkins-like syndrome 2 (PTHSL2). Identifiers: Orphanet 221150, Orphanet 600663, MedGen C3280479, MONDO:0013690, OMIM 614325.
Chromosome 2p16.3 deletion syndrome. Identifiers: MedGen C3808494, MONDO:0013696, OMIM 614332.

Submission:

Juno Genomics, Hangzhou Juno Genomics, Inc
Classification: Uncertain significance for Chromosome 2p16.3 deletion syndrome; Pitt-Hopkins-like syndrome 2. Review status: criteria provided, single submitter. Criteria: ACMG Guidelines, 2015. Collection method: clinical testing. Allele origin: germline. Affected: yes.
Comment: Absent from controls (or at extremely low frequency if recessive) in Genome Aggregation Database, Exome Sequencing Project, 1000 Genomes Project, or Exome Aggregation Consortium.;Multiple lines of computational evidence support a deleterious effect on the gene or gene product (conservation, evolutionary, splicing impact, etc).

NM_001330078.2(NRXN1):c.136T>C (p.Trp46Arg)

Gene: NRXN1 (neurexin 1; minus strand). Cytogenetic location: 2p16.3.
Variant type: single nucleotide variant.
Coding change: c.136T>C on transcript NM_001330078.2 (MANE Select); coding-DNA position 136, T replaced by C.
Protein change: p.Trp46Arg; replaces tryptophan 46 with arginine.
Molecular consequence: missense variant.
Genome position (GRCh38, 1-based): chr2:51,028,138, A>G on the plus strand (T>C on the coding strand, the complement: NRXN1 is on the minus strand). VCF-style: chr2-51028138-A-G. GRCh37 (hg19) VCF-style: chr2-51255276-A-G.
Other names: c.136T>C, p.Trp46Arg (NM_001135659.3, NM_001330077.2, NM_001330079.2 and 15 more transcripts); short protein forms W46R.
Identifiers: ClinVar variation 3899382 (VCV003899382.2).